The following is an entry in ClinVar:

NM_001329943.3(KIAA0586):c.4495+3751G>A

Gene: KIAA0586 (KIAA0586; plus strand). Cytogenetic location: 14q23.1.
Variant type: single nucleotide variant.
Coding change: c.4495+3751G>A on transcript NM_001329943.3 (MANE Select); 3751 bases into the intron after coding-DNA position 4495, G replaced by A.
Molecular consequence: intron variant. On other transcripts: synonymous variant (2).
Genome position (GRCh38, 1-based): chr14:58,543,887, G>A. VCF-style: chr14-58543887-G-A. GRCh37 (hg19) VCF-style: chr14-59010605-G-A.
Other names: c.4659G>A, p.Leu1553= (NM_001244189.2); c.4500G>A, p.Leu1500= (NM_001329944.2); c.4450+3751G>A (NM_001244190.2); c.4363+3751G>A (NM_001244192.2, NM_001329947.2); c.4240+3751G>A (NM_001244191.2, NM_001364701.2); c.4430-3894G>A (NM_001329946.2); c.4267+3751G>A (NM_014749.5); c.4175-3894G>A (NM_001329945.2).
Identifiers: ClinVar variation 2644261 (VCV002644261.24), dbSNP rs1218735547, ClinGen allele CA486635988.
Genomic context (GRCh38, chr14:58,543,887, plus strand): 5'-TTCCACACAGCTATTAGGATGATTTTTACCTCTTTTTTTTTTAACTTTTATTTTAGGTTT[G>A]GGGGTACATGTGAAGAAGGTTTCCTGTATAGGTAAACTCGGGCTGTGGAGGTTTGTCATA-3'

ClinVar aggregate classification (germline): Likely benign (1 of 4 stars; one submission).

Submission:

CeGaT Center for Human Genetics Tuebingen
Classification: Likely benign. Last evaluated: 2022-04-01. Review status: criteria provided, single submitter. Criteria: CeGaT Center For Human Genetics Tuebingen Variant Classification Criteria Version 2. Collection method: clinical testing. Allele origin: germline. Affected: yes. Observed: 1 variant allele.
Comment: KIAA0586: PM2:Supporting, BP4, BP7